The following is an entry in ClinVar:

NM_001391958.1(NLRP10):c.1836T>A (p.Pro612=)

Gene: NLRP10 (NLR family pyrin domain containing 10; minus strand). Cytogenetic location: 11p15.4.
Variant type: single nucleotide variant.
Coding change: c.1836T>A on transcript NM_001391958.1 (MANE Select); coding-DNA position 1836, T replaced by A.
Protein change: p.Pro612=; no amino-acid change (proline 612 retained).
Molecular consequence: synonymous variant.
Genome position (GRCh38, 1-based): chr11:7,959,776, A>T on the plus strand (T>A on the coding strand, the complement: NLRP10 is on the minus strand). VCF-style: chr11-7959776-A-T. GRCh37 (hg19) VCF-style: chr11-7981323-A-T.
Other names: c.1836T>A, p.Pro612= (NM_176821.4).
Identifiers: ClinVar variation 786591 (VCV000786591.23), dbSNP rs112855729, ClinGen allele CA5869916.
Genomic context (GRCh38, chr11:7,959,776, plus strand): 5'-TGCTATATTATCTTTGCCCTCCTTCTGTCCATGGACAGAAGGACATTTTTGCTCCTCCTT[A>T]GGTCCATGACTCAAGCTGCTTTTGACAGAAAATAAATTCTGGCTCTGTGATTTCTTTTCA-3'
Protein context (NP_001378887.1, residues 602-622): FSVKSSLSHG[Pro612=]KEEQKCPSVH

ClinVar aggregate classification (germline): Benign. Review status: criteria provided, multiple submitters, no conflicts (2 of 4 stars). 2 submissions from 2 submitters: Benign (2). Last evaluated 2024-04-01.

Allele frequency attached by ClinVar (database versions not stated): ExAC 0.00143; gnomAD 0.00416 and 0.00443; TOPMed 0.00440; ESP Exome Variant Server 0.00485; 1000 Genomes Project 0.00559; 1000 Genomes Project 30x 0.00625.
gnomAD v4.1: 1,292 of 1,613,592 alleles (0.08%); highest among the groups gnomAD compares: African/African-American, 1.5%; 9 homozygotes.

Submissions (2):

CeGaT Center for Human Genetics Tuebingen
Classification: Benign. Last evaluated: 2024-04-01. Review status: criteria provided, single submitter. Criteria: CeGaT Center For Human Genetics Tuebingen Variant Classification Criteria Version 2. Collection method: clinical testing. Allele origin: germline. Affected: yes. Observed: 1 variant allele.
Comment: NLRP10: BP4, BP7, BS1, BS2

Labcorp Genetics (formerly Invitae), Labcorp
Classification: Benign. Last evaluated: 2018-02-20. Review status: criteria provided, single submitter. Criteria: Invitae Variant Classification Sherloc (09022015). Collection method: clinical testing. Allele origin: germline.